The following is an entry in ClinVar:

ClinVar aggregate classification (germline): Uncertain significance (1 of 4 stars; one submission).

Conditions:
Hereditary cancer-predisposing syndrome. Also called: Tumor predisposition; Neoplastic Syndromes, Hereditary; Hereditary neoplastic syndrome; Hereditary Cancer Syndrome. Identifiers: Orphanet 140162, MedGen C0027672, MeSH D009386, MONDO:0015356.

Submission:

Ambry Genetics
Classification: Uncertain significance for Hereditary cancer-predisposing syndrome. Last evaluated: 2025-07-19. Review status: criteria provided, single submitter. Criteria: Ambry Variant Classification Scheme 2023. Collection method: clinical testing. Allele origin: germline.
Comment: The p.C615G variant (also known as c.1843T>G), located in coding exon 4 of the MSH6 gene, results from a T to G substitution at nucleotide position 1843. The cysteine at codon 615 is replaced by glycine, an amino acid with highly dissimilar properties. This amino acid position is conserved. In addition, this alteration is predicted to be tolerated by in silico analysis. Based on the available evidence, the clinical significance of this variant remains unclear.

NM_000179.3(MSH6):c.1843T>G (p.Cys615Gly)

Gene: MSH6 (mutS homolog 6; plus strand). Cytogenetic location: 2p16.3.
Variant type: single nucleotide variant.
Coding change: c.1843T>G on transcript NM_000179.3 (MANE Select); coding-DNA position 1843, T replaced by G.
Protein change: p.Cys615Gly; replaces cysteine 615 with glycine.
Molecular consequence: missense variant. On other transcripts: non-coding transcript variant (4), intron variant (2).
Genome position (GRCh38, 1-based): chr2:47,799,826, T>G. VCF-style: chr2-47799826-T-G. GRCh37 (hg19) VCF-style: chr2-48026965-T-G.
Other names: c.1765T>G, p.Cys589Gly (NM_001406804.1); c.1453T>G, p.Cys485Gly (NM_001281492.2); c.937T>G, p.Cys313Gly (NM_001281493.2, NM_001406811.1, NM_001406812.1 and 6 more transcripts); c.1546T>G, p.Cys516Gly (NM_001406805.1, NM_001406825.1, NM_001406827.1 and 10 more transcripts); c.1318T>G, p.Cys440Gly (NM_001406806.1, NM_001406807.1, NM_001406799.1); c.1843T>G, p.Cys615Gly (NM_001406808.1, NM_001406809.1, NM_001406796.1 and 3 more transcripts); c.1849T>G, p.Cys617Gly (NM_001406813.1); c.1675T>G, p.Cys559Gly (NM_001406826.1); and 3 more; short protein forms C440G, C485G, C615G, C617G, C516G, C559G, C313G, C589G.
Identifiers: ClinVar variation 4111211 (VCV004111211.1).